The following is an entry in ClinVar:

NM_000368.5(TSC1):c.186C>T (p.Thr62=)

Gene: TSC1 (TSC complex subunit 1; minus strand). Cytogenetic location: 9q34.13.
Variant type: single nucleotide variant.
Coding change: c.186C>T on transcript NM_000368.5 (MANE Select); coding-DNA position 186, C replaced by T.
Protein change: p.Thr62=; no amino-acid change (threonine 62 retained).
Molecular consequence: synonymous variant. On other transcripts: intron variant (1).
Genome position (GRCh38, 1-based): chr9:132,927,225, G>A on the plus strand (C>T on the coding strand, the complement: TSC1 is on the minus strand). VCF-style: chr9-132927225-G-A. GRCh37 (hg19) VCF-style: chr9-135802612-G-A.
Other names: c.186C>T, p.Thr62= (NM_001162426.2, NM_001162427.2); c.-153-1486C>T (NM_001362177.2).
Identifiers: ClinVar variation 1154411 (VCV001154411.12), dbSNP rs1554820640, ClinGen allele CA467594259.

ClinVar aggregate classification (germline): Benign/Likely benign. Review status: criteria provided, multiple submitters, no conflicts (2 of 4 stars). 3 submissions from 3 submitters: Benign (1); Likely benign (2). Last evaluated 2026-01-11.

Conditions:
Hereditary cancer-predisposing syndrome. Also called: Hereditary Cancer Syndrome; Hereditary neoplastic syndrome; Neoplastic Syndromes, Hereditary; Tumor predisposition. Identifiers: Orphanet 140162, MedGen C0027672, MeSH D009386, MONDO:0015356.
Tuberous sclerosis 1 (TSC1). Identifiers: Orphanet 805, MedGen C1854465, MONDO:0008612, OMIM 191100.

Allele frequency attached by ClinVar (database versions not stated): gnomAD exomes 0.00001.
gnomAD v4.1: 4 of 1,613,840 alleles (0.00025%); highest among the groups gnomAD compares: Admixed American, 0.0017%; no homozygotes.

Submissions (3):

Labcorp Genetics (formerly Invitae), Labcorp
Classification: Likely benign for Tuberous sclerosis 1. Last evaluated: 2026-01-11. Review status: criteria provided, single submitter. Criteria: Invitae Variant Classification Sherloc (09022015). Collection method: clinical testing. Allele origin: germline.

Myriad Genetics, Inc.
Classification: Benign for Tuberous sclerosis 1. Last evaluated: 2025-04-07. Review status: criteria provided, single submitter. Criteria: Myriad Autosomal Dominant, Autosomal Recessive and X-Linked Classification Criteria (2023). Collection method: clinical testing. Allele origin: unknown.
Comment: This variant is considered benign. This variant is a silent/synonymous amino acid change and it is not expected to impact splicing.

Ambry Genetics
Classification: Likely benign for Hereditary cancer-predisposing syndrome. Last evaluated: 2022-10-08. Review status: criteria provided, single submitter. Criteria: Ambry Variant Classification Scheme 2023. Collection method: clinical testing. Allele origin: germline.